The following is an entry in ClinVar:

ClinVar aggregate classification (germline): Conflicting classifications of pathogenicity. Review status: criteria provided, conflicting classifications (1 of 4 stars). 3 submissions from 3 submitters: Uncertain significance (1); Likely benign (2). Last evaluated 2023-01-17.

Conditions:
Inborn genetic diseases. Identifiers: MedGen C0950123, MeSH D030342.
Developmental and epileptic encephalopathy 94 (DEE94). Also called: CHD2-Related Neurodevelopmental Disorders; Epileptic encephalopathy, childhood-onset. Identifiers: Orphanet 1942, Orphanet 2382, MedGen C3809278, MONDO:0014150, OMIM 615369.

Allele frequency attached by ClinVar (database versions not stated): gnomAD exomes below 0.00001; TOPMed below 0.00001.

Submissions (3):

Labcorp Genetics (formerly Invitae), Labcorp
Classification: Likely benign for Developmental and epileptic encephalopathy 94. Last evaluated: 2023-01-17. Review status: criteria provided, single submitter. Criteria: Invitae Variant Classification Sherloc (09022015). Collection method: clinical testing. Allele origin: germline.

Ambry Genetics
Classification: Uncertain significance for Inborn genetic diseases. Last evaluated: 2021-04-20. Review status: criteria provided, single submitter. Criteria: Ambry Variant Classification Scheme 2023. Collection method: clinical testing. Allele origin: germline.
Comment: The c.2506-4A>G intronic alteration consists of a A to G substitution 4 nucleotides before coding exon 19 in the CHD2 gene. Based on insufficient or conflicting evidence, the clinical significance of this alteration remains unclear.

GeneDx
Classification: Likely benign. Last evaluated: 2017-10-05. Review status: criteria provided, single submitter. Criteria: GeneDx Variant Classification (06012015). Collection method: clinical testing. Allele origin: germline. Affected: yes.
Comment: This variant is considered likely benign or benign based on one or more of the following criteria: it is a conservative change, it occurs at a poorly conserved position in the protein, it is predicted to be benign by multiple in silico algorithms, and/or has population frequency not consistent with disease.

NM_001271.4(CHD2):c.2506-4A>G

Gene: CHD2 (chromodomain helicase DNA binding protein 2; plus strand). Cytogenetic location: 15q26.1.
Variant type: single nucleotide variant.
Coding change: c.2506-4A>G on transcript NM_001271.4 (MANE Select); 4 bases into the intron before coding-DNA position 2506, A replaced by G.
Molecular consequence: intron variant.
Genome position (GRCh38, 1-based): chr15:92,974,875, A>G. VCF-style: chr15-92974875-A-G. GRCh37 (hg19) VCF-style: chr15-93518105-A-G.
Identifiers: ClinVar variation 512498 (VCV000512498.10), dbSNP rs1259027522, ClinGen allele CA619617377.
Genomic context (GRCh38, chr15:92,974,875, plus strand): 5'-CTGTTCTATTCTGAGTGTAGCTGATCTTCCTATCTTACAGTTTTCTTGTGGTTTATTTTT[A>G]CAGCGTCTGGATGGTTCCATCAAGGGAGAAATCCGAAAACAGGCACTGGACCACTTCAAT-3'